The following is an entry in ClinVar:

ClinVar aggregate classification (germline): Uncertain significance (1 of 4 stars; one submission).

Conditions:
Intellectual developmental disorder, X-linked, syndromic, Raymond type. Also called: Syndromic X-linked intellectual disability Raymond type. Identifiers: MedGen C3275406, MONDO:0010427, OMIM 300799.

Submission:

Labcorp Genetics (formerly Invitae), Labcorp
Classification: Uncertain significance for Intellectual developmental disorder, X-linked, syndromic, Raymond type. Last evaluated: 2022-08-19. Review status: criteria provided, single submitter. Criteria: Invitae Variant Classification Sherloc (09022015). Collection method: clinical testing. Allele origin: germline.
Comment: In summary, the available evidence is currently insufficient to determine the role of this variant in disease. Therefore, it has been classified as a Variant of Uncertain Significance. Algorithms developed to predict the effect of missense changes on protein structure and function are either unavailable or do not agree on the potential impact of this missense change (SIFT: "Deleterious"; PolyPhen-2: "Benign"; Align-GVGD: "Class C0"). This variant has not been reported in the literature in individuals affected with ZDHHC9-related conditions. This variant is not present in population databases (gnomAD no frequency). This sequence change replaces serine, which is neutral and polar, with cysteine, which is neutral and slightly polar, at codon 318 of the ZDHHC9 protein (p.Ser318Cys).

NM_016032.4(ZDHHC9):c.952A>T (p.Ser318Cys)

Gene: ZDHHC9 (zDHHC palmitoyltransferase 9; minus strand). Cytogenetic location: Xq26.1.
Variant type: single nucleotide variant.
Coding change: c.952A>T on transcript NM_016032.4 (MANE Select); coding-DNA position 952, A replaced by T.
Protein change: p.Ser318Cys; replaces serine 318 with cysteine.
Molecular consequence: missense variant.
Genome position (GRCh38, 1-based): chrX:129,810,931, T>A on the plus strand (A>T on the coding strand, the complement: ZDHHC9 is on the minus strand). VCF-style: chrX-129810931-T-A. GRCh37 (hg19) VCF-style: chrX-128944907-T-A.
Other names: c.952A>T, p.Ser318Cys (NM_001008222.3); short protein forms S318C.
Identifiers: ClinVar variation 1716928 (VCV001716928.5), dbSNP rs2522181610, ClinGen allele CA414581067.